The following is an entry in ClinVar:

NM_001039591.3(USP9X):c.2453C>T (p.Ser818Phe)

Gene: USP9X (ubiquitin specific peptidase 9 X-linked; plus strand). Cytogenetic location: Xp11.4.
Variant type: single nucleotide variant.
Coding change: c.2453C>T on transcript NM_001039591.3 (MANE Select); coding-DNA position 2453, C replaced by T.
Protein change: p.Ser818Phe; replaces serine 818 with phenylalanine.
Molecular consequence: missense variant.
Genome position (GRCh38, 1-based): chrX:41,168,035, C>T. VCF-style: chrX-41168035-C-T. GRCh37 (hg19) VCF-style: chrX-41027288-C-T.
Other names: c.2453C>T, p.Ser818Phe (NM_001039590.3); short protein forms S818F.
Identifiers: ClinVar variation 1307479 (VCV001307479.2), dbSNP rs2147117934, ClinGen allele CA412756459.

ClinVar aggregate classification (germline): Uncertain significance (1 of 4 stars; one submission).

Submission:

GeneDx
Classification: Uncertain significance. Last evaluated: 2020-10-12. Review status: criteria provided, single submitter. Criteria: GeneDx Variant Classification Process June 2021. Collection method: clinical testing. Allele origin: germline. Affected: yes.
Comment: Not observed in large population cohorts (Lek et al., 2016); In silico analysis, which includes protein predictors and evolutionary conservation, supports a deleterious effect; Has not been previously published as pathogenic or benign to our knowledge